The following is an entry in ClinVar:

NM_001166114.2(PNPLA6):c.2542G>C (p.Ala848Pro)

Gene: PNPLA6 (patatin like domain 6, lysophospholipase; plus strand). Cytogenetic location: 19p13.2.
Variant type: single nucleotide variant.
Coding change: c.2542G>C on transcript NM_001166114.2 (MANE Select); coding-DNA position 2542, G replaced by C.
Protein change: p.Ala848Pro; replaces alanine 848 with proline.
Molecular consequence: missense variant.
Genome position (GRCh38, 1-based): chr19:7,554,631, G>C. VCF-style: chr19-7554631-G-C. GRCh37 (hg19) VCF-style: chr19-7619517-G-C.
Other names: p.Ala810Pro; c.2572G>C, p.Ala858Pro (NM_001166111.2); c.2347G>C, p.Ala783Pro (NM_001166112.2); c.2428G>C, p.Ala810Pro (NM_001166113.1, NM_006702.5); short protein forms A848P, A783P, A810P, A858P.
Identifiers: ClinVar variation 2324386 (VCV002324386.3), dbSNP rs150911550, ClinGen allele CA403128756.
Genomic context (GRCh38, chr19:7,554,631, plus strand): 5'-CTGTCAGGGTGGCTGGCCCAGCAGGAGGATGCACACCGTATCGTACTCTACCAGACGGAC[G>C]CCTCGCTGACGCCCTGGACCGTGCGCTGCCTGCGACAGGCCGACTGCATCCTCATTGTGG-3'
Protein context (NP_001159586.1, residues 838-858): AHRIVLYQTD[Ala848Pro]SLTPWTVRCL

ClinVar aggregate classification (germline): Uncertain significance. Review status: criteria provided, multiple submitters, no conflicts (2 of 4 stars). 2 submissions from 2 submitters: Uncertain significance (2). Last evaluated 2025-09-18.

Conditions:
Inborn genetic diseases. Identifiers: MedGen C0950123, MeSH D030342.

Submissions (2):

Mayo Clinic Laboratories, Mayo Clinic
Classification: Uncertain significance. Last evaluated: 2025-09-18. Review status: criteria provided, single submitter. Criteria: ACMG Guidelines, 2015. Collection method: clinical testing. Allele origin: germline. Observed: 1 variant allele.
Comment: BP4_moderate

Ambry Genetics
Classification: Uncertain significance for Inborn genetic diseases. Last evaluated: 2022-11-08. Review status: criteria provided, single submitter. Criteria: Ambry Variant Classification Scheme 2023. Collection method: clinical testing. Allele origin: germline.